The following is an entry in ClinVar:

NM_016816.4(OAS1):c.58C>T (p.Leu20Phe)

Genes: OAS1 (2'-5'-oligoadenylate synthetase 1; plus strand), LOC130008812 (ATAC-STARR-seq lymphoblastoid active region 7052; plus strand). Cytogenetic location: 12q24.13.
Variant type: single nucleotide variant.
Coding change: c.58C>T on transcript NM_016816.4 (MANE Select); coding-DNA position 58, C replaced by T.
Protein change: p.Leu20Phe; replaces leucine 20 with phenylalanine.
Molecular consequence: missense variant.
Genome position (GRCh38, 1-based): chr12:112,907,097, C>T. VCF-style: chr12-112907097-C-T. GRCh37 (hg19) VCF-style: chr12-113344902-C-T.
Other names: c.58C>T, p.Leu20Phe (NM_001032409.3, NM_001320151.2, NM_001406020.1 and 11 more transcripts); c.58C>T (NM_001032409.2); short protein forms L20F.
Identifiers: ClinVar variation 2085658 (VCV002085658.5), dbSNP rs377027609, ClinGen allele CA6799670.

ClinVar aggregate classification (germline): Conflicting classifications of pathogenicity. Review status: criteria provided, conflicting classifications (1 of 4 stars). 2 submissions from 2 submitters: Uncertain significance (1); Likely benign (1). Last evaluated 2025-08-26.

Conditions:
OAS1-related disorder. Also called: OAS1-related condition.

Allele frequency attached by ClinVar (database versions not stated): TOPMed below 0.00001; gnomAD 0.00001; ExAC 0.00002; gnomAD exomes 0.00006; ESP Exome Variant Server 0.00008.
gnomAD v4.1: 87 of 1,614,108 alleles (0.0054%); highest among the groups gnomAD compares: Non-Finnish European, 0.0069%; no homozygotes.

Submissions (2):

PreventionGenetics, part of Exact Sciences
Classification: Uncertain significance for OAS1-related condition. Last evaluated: 2025-08-26. Review status: criteria provided, single submitter. Criteria: ACMG Guidelines, 2015. Collection method: clinical testing. Allele origin: germline.
Comment: The OAS1 c.58C>T variant is predicted to result in the amino acid substitution p.Leu20Phe. To our knowledge, this variant has not been reported in the literature. This variant is reported in 0.0040% of alleles in individuals of African descent in gnomAD. At this time, the clinical significance of this variant is uncertain due to the absence of conclusive functional and genetic evidence.

Labcorp Genetics (formerly Invitae), Labcorp
Classification: Likely benign. Last evaluated: 2024-07-25. Review status: criteria provided, single submitter. Criteria: Invitae Variant Classification Sherloc (09022015). Collection method: clinical testing. Allele origin: germline.